The following is an entry in ClinVar:

ClinVar aggregate classification (germline): Uncertain significance. Review status: criteria provided, multiple submitters, no conflicts (2 of 4 stars). 2 submissions from 2 submitters: Uncertain significance (2). Last evaluated 2026-04-22.

Conditions:
Inborn genetic diseases. Identifiers: MedGen C0950123, MeSH D030342.
Fanconi anemia (FA). Also called: Fanconi's anemia. Identifiers: Orphanet 84, MedGen C0015625, MeSH D005199, MONDO:0019391.

Allele frequency attached by ClinVar (database versions not stated): TOPMed below 0.00001; gnomAD 0.00001; gnomAD exomes 0.00001.

Submissions (2):

Ambry Genetics
Classification: Uncertain significance for Inborn genetic diseases. Last evaluated: 2026-04-22. Review status: criteria provided, single submitter. Criteria: Ambry Variant Classification Scheme 2023. Collection method: clinical testing. Allele origin: germline.
Comment: The p.V257M variant (also known as c.769G>A), located in coding exon 8 of the FANCA gene, results from a G to A substitution at nucleotide position 769. The valine at codon 257 is replaced by methionine, an amino acid with highly similar properties. This amino acid position is conserved. In addition, this alteration is predicted to be tolerated by in silico analysis. Based on the available evidence, the clinical significance of this variant remains unclear.

Labcorp Genetics (formerly Invitae), Labcorp
Classification: Uncertain significance for Fanconi anemia. Last evaluated: 2019-06-04. Review status: criteria provided, single submitter. Criteria: Invitae Variant Classification Sherloc (09022015). Collection method: clinical testing. Allele origin: germline.
Comment: In summary, this variant is a novel missense change that is not predicted to affect protein function. There is no indication that it causes disease, but the available evidence is currently insufficient to prove that conclusively. Therefore, it has been classified as a Variant of Uncertain Significance. Algorithms developed to predict the effect of missense changes on protein structure and function output the following: SIFT: "Tolerated"; PolyPhen-2: "Possibly Damaging"; Align-GVGD: "Class C0". The methionine amino acid residue is found in multiple mammalian species, suggesting that this missense change does not adversely affect protein function. These predictions have not been confirmed by published functional studies. This variant is not present in population databases (ExAC no frequency) and has not been reported in the literature in individuals with a FANCA-related disease. This sequence change replaces valine with methionine at codon 257 of the FANCA protein (p.Val257Met). The valine residue is weakly conserved and there is a small physicochemical difference between valine and methionine.

NM_000135.4(FANCA):c.769G>A (p.Val257Met)

Gene: FANCA (FA complementation group A; minus strand). Cytogenetic location: 16q24.3.
Variant type: single nucleotide variant.
Coding change: c.769G>A on transcript NM_000135.4 (MANE Select); coding-DNA position 769, G replaced by A.
Protein change: p.Val257Met; replaces valine 257 with methionine.
Molecular consequence: missense variant.
Genome position (GRCh38, 1-based): chr16:89,803,282, C>T on the plus strand (G>A on the coding strand, the complement: FANCA is on the minus strand). VCF-style: chr16-89803282-C-T. GRCh37 (hg19) VCF-style: chr16-89869690-C-T.
Other names: c.769G>A (LRG_495t1); c.769G>A, p.Val257Met (NM_001018112.3, NM_001286167.3); c.673G>A, p.Val225Met (NM_001351830.2); short protein forms V257M, V225M.
Identifiers: ClinVar variation 456137 (VCV000456137.11), dbSNP rs777311234, ClinGen allele CA397476026.